The following is an entry in ClinVar:

ClinVar aggregate classification (germline): Likely benign. Review status: criteria provided, multiple submitters, no conflicts (2 of 4 stars). 2 submissions from 2 submitters: Likely benign (2). Last evaluated 2025-01-23.

Conditions:
RYR1-related disorder. Also called: RYR1-related disorders; RYR1-related condition. Identifiers: MedGen CN239331.
Malignant hyperthermia, susceptibility to, 1 (MHS1). Also called: RYR1-Related Malignant Hyperthermia Susceptibility; Malignant hyperthermia suceptibility 1; Anesthesia related hyperthermia; Malignant hyperpyrexia; Fulminating hyperpyrexia; Pharmacogenic myopathy. Identifiers: Orphanet 423, MedGen C2930980, MONDO:0007783, OMIM 145600.

Allele frequency attached by ClinVar (database versions not stated): gnomAD exomes below 0.00001; TOPMed 0.00001.
gnomAD v4.1: 5 of 1,613,976 alleles (0.00031%); highest among the groups gnomAD compares: Non-Finnish European, 0.00042%; no homozygotes.

Submissions (2):

Labcorp Genetics (formerly Invitae), Labcorp
Classification: Likely benign for RYR1-related disorder. Last evaluated: 2025-01-23. Review status: criteria provided, single submitter. Criteria: Invitae Variant Classification Sherloc (09022015). Collection method: clinical testing. Allele origin: germline.

All of Us Research Program, National Institutes of Health
Classification: Likely benign for Malignant hyperthermia, susceptibility to, 1. Last evaluated: 2024-02-05. Review status: criteria provided, single submitter. Criteria: ACMG Guidelines, 2015. Collection method: clinical testing. Allele origin: germline. Inheritance: Autosomal dominant inheritance. Observed: 1 variant allele, 1 heterozygote.
Comment: This study involves interpretation of variants in research participants for the purpose of population health screening. Participant phenotype was not available at the time of variant classification. Additional details can be found in publication PMID: 35346344, PMCID: PMC8962531

NM_000540.3(RYR1):c.1365C>T (p.Ser455=)

Gene: RYR1 (ryanodine receptor 1; plus strand). Cytogenetic location: 19q13.2.
Variant type: single nucleotide variant.
Coding change: c.1365C>T on transcript NM_000540.3 (MANE Select); coding-DNA position 1365, C replaced by T.
Protein change: p.Ser455=; no amino-acid change (serine 455 retained).
Molecular consequence: synonymous variant.
Genome position (GRCh38, 1-based): chr19:38,452,939, C>T. VCF-style: chr19-38452939-C-T. GRCh37 (hg19) VCF-style: chr19-38943579-C-T.
Other names: c.1365C>T, p.Ser455= (NM_001042723.2).
Identifiers: ClinVar variation 1099199 (VCV001099199.10), dbSNP rs906190453, ClinGen allele CA308120743.